The following is an entry in ClinVar:

NM_001083961.2(WDR62):c.1696G>A (p.Val566Met)

Gene: WDR62 (WD repeat domain 62; plus strand). Cytogenetic location: 19q13.12.
Variant type: single nucleotide variant.
Coding change: c.1696G>A on transcript NM_001083961.2 (MANE Select); coding-DNA position 1696, G replaced by A.
Protein change: p.Val566Met; replaces valine 566 with methionine.
Molecular consequence: missense variant.
Genome position (GRCh38, 1-based): chr19:36,086,740, G>A. VCF-style: chr19-36086740-G-A. GRCh37 (hg19) VCF-style: chr19-36577642-G-A.
Other names: c.1696G>A, p.Val566Met (NM_173636.5); short protein forms V566M.
Identifiers: ClinVar variation 450166 (VCV000450166.7), dbSNP rs145392484, ClinGen allele CA9395691.

ClinVar aggregate classification (germline): Uncertain significance. Review status: criteria provided, multiple submitters, no conflicts (2 of 4 stars). 4 submissions from 4 submitters: Uncertain significance (4). Last evaluated 2025-04-29.

Conditions:
Inborn genetic diseases. Identifiers: MedGen C0950123, MeSH D030342.
Microcephaly 2, primary, autosomal recessive, with or without cortical malformations. Also called: MICROCEPHALY 2, PRIMARY, AUTOSOMAL RECESSIVE, WITH CORTICAL MALFORMATIONS; WDR62 Primary Microcephaly. Identifiers: Orphanet 2512, MedGen C1858535, MONDO:0011435, OMIM 604317.

Allele frequency attached by ClinVar (database versions not stated): gnomAD 0.00007 and 0.00008; gnomAD exomes 0.00008 and 0.00009; TOPMed 0.00008; ExAC 0.00012; ESP Exome Variant Server 0.00015.

Submissions (4):

Ambry Genetics
Classification: Uncertain significance for Inborn genetic diseases. Last evaluated: 2025-04-29. Review status: criteria provided, single submitter. Criteria: Ambry Variant Classification Scheme 2023. Collection method: clinical testing. Allele origin: germline.

Labcorp Genetics (formerly Invitae), Labcorp
Classification: Uncertain significance. Last evaluated: 2022-08-15. Review status: criteria provided, single submitter. Criteria: Invitae Variant Classification Sherloc (09022015). Collection method: clinical testing. Allele origin: germline.
Comment: This sequence change replaces valine, which is neutral and non-polar, with methionine, which is neutral and non-polar, at codon 566 of the WDR62 protein (p.Val566Met). This variant is present in population databases (rs145392484, gnomAD 0.03%). This variant has not been reported in the literature in individuals affected with WDR62-related conditions. ClinVar contains an entry for this variant (Variation ID: 450166). Algorithms developed to predict the effect of missense changes on protein structure and function are either unavailable or do not agree on the potential impact of this missense change (SIFT: "Deleterious"; PolyPhen-2: "Probably Damaging"; Align-GVGD: "Class C0"). In summary, the available evidence is currently insufficient to determine the role of this variant in disease. Therefore, it has been classified as a Variant of Uncertain Significance.

Fulgent Genetics
Classification: Uncertain significance for Microcephaly 2, primary, autosomal recessive, with or without cortical malformations. Last evaluated: 2022-04-19. Review status: criteria provided, single submitter. Criteria: ACMG Guidelines, 2015. Collection method: clinical testing. Allele origin: unknown.

GeneDx
Classification: Uncertain significance. Last evaluated: 2017-06-29. Review status: criteria provided, single submitter. Criteria: GeneDx Variant Classification (06012015). Collection method: clinical testing. Allele origin: germline. Affected: yes.
Comment: A variant of uncertain significance has been identified in the WDR62 gene. The V566M variant has not been published as a pathogenic variant, nor has it been reported as a benign variant to our knowledge. The V566M variant is observed in 4/7294 (0.01%) alleles from individuals of Latino background (Lek et al., 2016; 1000 Genomes Consortium et al., 2015; Exome Variant Server). The V566M variant is a conservative amino acid substitution, which is not likely to impact secondary protein structure as these residues share similar properties. This substitution occurs at a position where amino acids with similar properties to Valine are tolerated across species. However, in silico analysis is inconsistent in its predictions as to whether or not the variant is damaging to the protein structure/function. Therefore, based on the currently available information, it is unclear whether this variant is a pathogenic variant or a rare benign variant.